The following is an entry in ClinVar:

ClinVar aggregate classification (germline): Uncertain significance. Review status: criteria provided, multiple submitters, no conflicts (2 of 4 stars). 2 submissions from 2 submitters: Uncertain significance (2). Last evaluated 2023-05-08.

Conditions:
Multiple endocrine neoplasia, type 2 (MEN2). Identifiers: Orphanet 653, MedGen C4048306, MONDO:0019003. Disease mechanism: gain of function.

Submissions (2):

All of Us Research Program, National Institutes of Health
Classification: Uncertain significance for Multiple endocrine neoplasia, type 2. Last evaluated: 2023-05-08. Review status: criteria provided, single submitter. Criteria: ACMG Guidelines, 2015. Collection method: clinical testing. Allele origin: germline. Inheritance: Autosomal dominant inheritance. Observed: 1 variant allele, 1 heterozygote.
Comment: This study involves interpretation of variants in research participants for the purpose of population health screening. Participant phenotype was not available at the time of variant classification. Additional details can be found in publication PMID: 35346344, PMCID: PMC8962531

Labcorp Genetics (formerly Invitae), Labcorp
Classification: Uncertain significance for Multiple endocrine neoplasia, type 2. Last evaluated: 2018-03-23. Review status: criteria provided, single submitter. Criteria: Invitae Variant Classification Sherloc (09022015). Collection method: clinical testing. Allele origin: germline.
Comment: In summary, the available evidence is currently insufficient to determine the role of this variant in disease. Therefore, it has been classified as a Variant of Uncertain Significance. Algorithms developed to predict the effect of missense changes on protein structure and function do not agree on the potential impact of this missense change (SIFT: "Deleterious"; PolyPhen-2: "Probably Damaging"; Align-GVGD: "Class C0"). This variant has not been reported in the literature in individuals with RET-related disease. This variant is not present in population databases (ExAC no frequency). This sequence change replaces glutamic acid with glutamine at codon 805 of the RET protein (p.Glu805Gln). The glutamic acid residue is highly conserved and there is a small physicochemical difference between glutamic acid and glutamine.

NM_020975.6(RET):c.2413G>C (p.Glu805Gln)

Gene: RET (ret proto-oncogene; plus strand). Cytogenetic location: 10q11.21.
Variant type: single nucleotide variant.
Coding change: c.2413G>C on transcript NM_020975.6 (MANE Select); coding-DNA position 2413, G replaced by C.
Protein change: p.Glu805Gln; replaces glutamic acid 805 with glutamine.
Molecular consequence: missense variant.
Genome position (GRCh38, 1-based): chr10:43,119,551, G>C. VCF-style: chr10-43119551-G-C. GRCh37 (hg19) VCF-style: chr10-43614999-G-C.
Other names: c.2413G>C, p.Glu805Gln (NM_000323.2, NM_001406743.1, NM_001406744.1 and 4 more transcripts); c.1651G>C, p.Glu551Gln (NM_001355216.2); c.2284G>C, p.Glu762Gln (NM_001406761.1, NM_001406762.1, NM_001406764.1); c.2278G>C, p.Glu760Gln (NM_001406763.1, NM_001406765.1); c.2125G>C, p.Glu709Gln (NM_001406766.1, NM_001406767.1, NM_001406770.1); c.2149G>C, p.Glu717Gln (NM_001406768.1); c.2017G>C, p.Glu673Gln (NM_001406769.1, NM_001406772.1); c.1975G>C, p.Glu659Gln (NM_001406771.1, NM_001406773.1); and 10 more; short protein forms E805Q, E551Q, E461Q, E466Q, E709Q, E717Q, E762Q, E322Q.
Identifiers: ClinVar variation 568399 (VCV000568399.10), dbSNP rs377767418, ClinGen allele CA376556055.